The following is an entry in ClinVar:

NM_177438.3(DICER1):c.3229G>C (p.Asp1077His)

Gene: DICER1 (dicer 1, ribonuclease III; minus strand). Cytogenetic location: 14q32.13.
Variant type: single nucleotide variant.
Coding change: c.3229G>C on transcript NM_177438.3 (MANE Select); coding-DNA position 3229, G replaced by C.
Protein change: p.Asp1077His; replaces aspartic acid 1077 with histidine.
Molecular consequence: missense variant. On other transcripts: non-coding transcript variant (6).
Genome position (GRCh38, 1-based): chr14:95,105,111, C>G on the plus strand (G>C on the coding strand, the complement: DICER1 is on the minus strand). VCF-style: chr14-95105111-C-G. GRCh37 (hg19) VCF-style: chr14-95571448-C-G.
Other names: c.3229G>C, p.Asp1077His (NM_001195573.1, NM_001271282.3, NM_001291628.2 and 13 more transcripts); c.2947G>C, p.Asp983His (NM_001395686.1); c.2824G>C, p.Asp942His (NM_001395687.1, NM_001395688.1, NM_001395689.1 and 2 more transcripts); c.2662G>C, p.Asp888His (NM_001395691.1); c.1546G>C, p.Asp516His (NM_001395697.1); short protein forms D983H, D888H, D1077H, D516H, D942H.
Identifiers: ClinVar variation 1729152 (VCV001729152.3), dbSNP rs373412959, ClinGen allele CA390876426.
Genomic context (GRCh38, chr14:95,105,111, plus strand): 5'-GGCTGACTGCACAGGCATACCTAAAATCCGCAGGAAGTGATCTGACTCCCACGCCAGCAT[C>G]GCTGGCAGTCTGGGCTCTTAGCTCCTCTGCAGTCAAAAGGCAGTGAAGGCGATAAAGTAT-3'
Protein context (NP_803187.1, residues 1067-1087): AEELRAQTAS[Asp1077His]AGVGVRSLPA

ClinVar aggregate classification (germline): Uncertain significance (1 of 4 stars; one submission).

Conditions:
Hereditary cancer-predisposing syndrome. Also called: Tumor predisposition; Neoplastic Syndromes, Hereditary; Hereditary Cancer Syndrome; Hereditary neoplastic syndrome. Identifiers: Orphanet 140162, MedGen C0027672, MeSH D009386, MONDO:0015356.

Submission:

Ambry Genetics
Classification: Uncertain significance for Hereditary cancer-predisposing syndrome. Last evaluated: 2025-07-18. Review status: criteria provided, single submitter. Criteria: Ambry Variant Classification Scheme 2023. Collection method: clinical testing. Allele origin: germline.
Comment: The p.D1077H variant (also known as c.3229G>C), located in coding exon 19 of the DICER1 gene, results from a G to C substitution at nucleotide position 3229. The aspartic acid at codon 1077 is replaced by histidine, an amino acid with similar properties. This amino acid position is well conserved in available vertebrate species. In addition, this alteration is predicted to be tolerated by in silico analysis. Based on the available evidence, the clinical significance of this variant remains unclear.